The following is an entry in ClinVar:

NM_006030.4(CACNA2D2):c.3035A>G (p.Gln1012Arg)

Genes: CACNA2D2 (calcium voltage-gated channel auxiliary subunit alpha2delta 2; minus strand), LOC101928965 (uncharacterized LOC101928965; plus strand), LOC127898564 (CYB561D2-LOC101928965; plus strand). Cytogenetic location: 3p21.31.
Variant type: single nucleotide variant.
Coding change: c.3035A>G on transcript NM_006030.4 (MANE Select); coding-DNA position 3035, A replaced by G.
Protein change: p.Gln1012Arg; replaces glutamine 1012 with arginine.
Molecular consequence: missense variant. On other transcripts: non-coding transcript variant (2).
Genome position (GRCh38, 1-based): chr3:50,365,419, T>C on the plus strand (A>G on the coding strand, the complement: CACNA2D2 is on the minus strand). VCF-style: chr3-50365419-T-C. GRCh37 (hg19) VCF-style: chr3-50402850-T-C.
Other names: c.3035A>G, p.Gln1012Arg (NM_001005505.3); c.3056A>G, p.Gln1019Arg (NM_001174051.3); c.2828A>G, p.Gln943Arg (NM_001291101.1); c.3056A>G (NM_001174051.1); short protein forms Q1019R, Q1012R, Q943R.
Identifiers: ClinVar variation 411006 (VCV000411006.9), dbSNP rs148079551, ClinGen allele CA2418257.

ClinVar aggregate classification (germline): Uncertain significance. Review status: criteria provided, multiple submitters, no conflicts (2 of 4 stars). 2 submissions from 2 submitters: Uncertain significance (2). Last evaluated 2025-10-23.

Conditions:
Inborn genetic diseases. Identifiers: MedGen C0950123, MeSH D030342.
Developmental and epileptic encephalopathy. Identifiers: MedGen C5779964, MONDO:0100620.

Allele frequency attached by ClinVar (database versions not stated): ExAC 0.00010; gnomAD exomes 0.00009 and 0.00016; TOPMed 0.00009; gnomAD 0.00014; ESP Exome Variant Server 0.00015.
gnomAD v4.1: 245 of 1,613,548 alleles (0.015%); highest among the groups gnomAD compares: Non-Finnish European, 0.02%; no homozygotes.

Submissions (2):

Ambry Genetics
Classification: Uncertain significance for Inborn genetic diseases. Last evaluated: 2025-10-23. Review status: criteria provided, single submitter. Criteria: Ambry Variant Classification Scheme 2023. Collection method: clinical testing. Allele origin: germline.

Labcorp Genetics (formerly Invitae), Labcorp
Classification: Uncertain significance for Early-infantile DEE. Last evaluated: 2022-08-09. Review status: criteria provided, single submitter. Criteria: Invitae Variant Classification Sherloc (09022015). Collection method: clinical testing. Allele origin: germline.
Comment: This sequence change replaces glutamine, which is neutral and polar, with arginine, which is basic and polar, at codon 1012 of the CACNA2D2 protein (p.Gln1012Arg). This variant is present in population databases (rs148079551, gnomAD 0.02%). This variant has not been reported in the literature in individuals affected with CACNA2D2-related conditions. ClinVar contains an entry for this variant (Variation ID: 411006). Algorithms developed to predict the effect of missense changes on protein structure and function (SIFT, PolyPhen-2, Align-GVGD) all suggest that this variant is likely to be disruptive. Algorithms developed to predict the effect of sequence changes on RNA splicing suggest that this variant may create or strengthen a splice site. In summary, the available evidence is currently insufficient to determine the role of this variant in disease. Therefore, it has been classified as a Variant of Uncertain Significance.